The following is an entry in ClinVar:

NM_002972.4(SBF1):c.1125C>A (p.Phe375Leu)

Gene: SBF1 (SET binding factor 1; minus strand). Cytogenetic location: 22q13.33.
Variant type: single nucleotide variant.
Coding change: c.1125C>A on transcript NM_002972.4 (MANE Select); coding-DNA position 1125, C replaced by A.
Protein change: p.Phe375Leu; replaces phenylalanine 375 with leucine.
Molecular consequence: missense variant.
Genome position (GRCh38, 1-based): chr22:50,465,293, G>T on the plus strand (C>A on the coding strand, the complement: SBF1 is on the minus strand). VCF-style: chr22-50465293-G-T. GRCh37 (hg19) VCF-style: chr22-50903722-G-T.
Other names: c.1125C>A (NM_002972.2); c.1128C>A, p.Phe376Leu (NM_001365819.1); short protein forms F375L, F376L.
Identifiers: ClinVar variation 1405923 (VCV001405923.6), dbSNP rs200307726, ClinGen allele CA10317810.

ClinVar aggregate classification (germline): Uncertain significance. Review status: criteria provided, multiple submitters, no conflicts (2 of 4 stars). 2 submissions from 2 submitters: Uncertain significance (2). Last evaluated 2025-09-10.

Allele frequency attached by ClinVar (database versions not stated): ESP Exome Variant Server 0.00008.
gnomAD v4.1: 278 of 1,606,642 alleles (0.017%); highest among the groups gnomAD compares: Non-Finnish European, 0.023%; no homozygotes.

Submissions (2):

Labcorp Genetics (formerly Invitae), Labcorp
Classification: Uncertain significance. Last evaluated: 2025-09-10. Review status: criteria provided, single submitter. Criteria: Invitae Variant Classification Sherloc (09022015). Collection method: clinical testing. Allele origin: germline.
Comment: This sequence change replaces phenylalanine, which is neutral and non-polar, with leucine, which is neutral and non-polar, at codon 375 of the SBF1 protein (p.Phe375Leu). This variant is present in population databases (rs200307726, gnomAD 0.02%). This variant has not been reported in the literature in individuals affected with SBF1-related conditions. ClinVar contains an entry for this variant (Variation ID: 1405923). Invitae Evidence Modeling of protein sequence and biophysical properties (such as structural, functional, and spatial information, amino acid conservation, physicochemical variation, residue mobility, and thermodynamic stability) has been performed for this missense variant. However, the output from this modeling did not meet the statistical confidence thresholds required to predict the impact of this variant on SBF1 protein function. In summary, the available evidence is currently insufficient to determine the role of this variant in disease. Therefore, it has been classified as a Variant of Uncertain Significance.

Ambry Genetics
Classification: Uncertain significance. Last evaluated: 2025-08-04. Review status: criteria provided, single submitter. Criteria: Ambry Variant Classification Scheme 2023. Collection method: clinical testing. Allele origin: germline.